The following is an entry in ClinVar:

ClinVar aggregate classification (germline): Pathogenic. Review status: criteria provided, multiple submitters, no conflicts (2 of 4 stars). 6 submissions from 6 submitters: Pathogenic (6). Last evaluated 2026-06-24.

Conditions:
KCNH2-related disorder. Also called: KCNH2-related disorders; KCNH2-related condition.
Cardiovascular phenotype. Identifiers: MedGen CN230736.
Long QT syndrome (LQTS). Identifiers: MedGen C0023976, MeSH D008133, MONDO:0002442. Disease mechanism: loss of function. Inheritance: Various modes of inheritance.
Long QT syndrome 2 (LQT2). Identifiers: Orphanet 101016, Orphanet 768, MedGen C3150943, MONDO:0013367, OMIM 613688.

gnomAD v4.1: 1 of 1,599,040 alleles (0.000063%); highest among the groups gnomAD compares: Non-Finnish European, 0.000085%; no homozygotes.

Submissions (6):

PreventionGenetics, part of Exact Sciences
Classification: Pathogenic for KCNH2-related condition. Last evaluated: 2026-06-24. Review status: criteria provided, single submitter. Criteria: ACMG Guidelines, 2015. Collection method: clinical testing. Allele origin: germline.
Comment: The KCNH2 c.1096C>T variant is predicted to result in premature protein termination (p.Arg366*). This variant has been reported in individuals with long QT syndrome (Larsen et al. 2001. PubMed ID: 11468227; Supplementary data, Marschall et al. 2019. PubMed ID: 31737537). This variant has not been reported in a large population database (gnomAD), indicating this variant is rare. Nonsense variants in KCNH2 are expected to be pathogenic. This variant is interpreted as pathogenic.

Labcorp Genetics (formerly Invitae), Labcorp
Classification: Pathogenic for Long QT syndrome. Last evaluated: 2026-01-27. Review status: criteria provided, single submitter. Criteria: Invitae Variant Classification Sherloc (09022015). Collection method: clinical testing. Allele origin: germline.
Comment: This sequence change creates a premature translational stop signal (p.Arg366*) in the KCNH2 gene. It is expected to result in an absent or disrupted protein product. Loss-of-function variants in KCNH2 are known to be pathogenic (PMID: 10973849, 19862833). This variant is not present in population databases (gnomAD no frequency). This premature translational stop signal has been observed in individual(s) with long QT syndrome (LQTS) (PMID: 11468227, 23158531, 24606995). ClinVar contains an entry for this variant (Variation ID: 200321). For these reasons, this variant has been classified as Pathogenic.

GeneDx
Classification: Pathogenic. Last evaluated: 2024-03-19. Review status: criteria provided, single submitter. Criteria: GeneDx Variant Classification Process June 2021. Collection method: clinical testing. Allele origin: germline. Affected: yes.
Comment: Nonsense variant predicted to result in protein truncation or nonsense mediated decay in a gene for which loss of function is a known mechanism of disease; Not observed at significant frequency in large population cohorts (gnomAD); This variant is associated with the following publications: (PMID: 19038855, 25525159, 24606995, 15840476, 18808722, 31382961, 31440721, 31737537, 11468227)

Ambry Genetics
Classification: Pathogenic for Cardiovascular phenotype. Last evaluated: 2023-11-27. Review status: criteria provided, single submitter. Criteria: Ambry Variant Classification Scheme 2023. Collection method: clinical testing. Allele origin: germline.
Comment: The p.R366* pathogenic mutation (also known as c.1096C>T), located in coding exon 5 of the KCNH2 gene, results from a C to T substitution at nucleotide position 1096. This changes the amino acid from an arginine to a stop codon within coding exon 5. This mutation has been reported in multiple individuals with long QT syndrome (Larsen LA et al. Clin. Chem., 2001 Aug;47:1390-5; Christiansen M et al. BMC Med. Genet., 2014 Mar;15:31; Zhang X et al. BMC Med. Genet., 2008 Sep;9:87; Tester DJ et al. Heart Rhythm, 2005 May;2:507-17). This variant is considered to be rare based on population cohorts in the Genome Aggregation Database (gnomAD). In addition to the clinical data presented in the literature, this alteration is expected to result in loss of function by premature protein truncation or nonsense-mediated mRNA decay. As such, this alteration is interpreted as a disease-causing mutation.

All of Us Research Program, National Institutes of Health
Classification: Pathogenic for Long QT syndrome. Last evaluated: 2023-08-23. Review status: criteria provided, single submitter. Criteria: ACMG Guidelines, 2015. Collection method: clinical testing. Allele origin: germline. Inheritance: Autosomal dominant inheritance. Observed: 1 variant allele, 1 heterozygote.
Comment: This variant changes 1 nucleotide in exon 5 of the KCNH2 gene, creating a premature translation stop signal. This variant is expected to result in an absent or non-functional protein product. This variant has been reported in multiple individuals affected with or suspected of long QT syndrome (PMID: 11468227, 15840476, 18808722, 19038855, 23158531, 29020304, 36102233). This variant has not been identified in the general population by the Genome Aggregation Database (gnomAD). Loss of KCNH2 function is a known mechanism of disease. Based on the available evidence, this variant is classified as Pathogenic.

This study involves interpretation of variants in research participants for the purpose of population health screening. Participant phenotype was not available at the time of variant classification. Additional details can be found in publication PMID: 35346344, PMCID: PMC8962531

KardioGenetik, Herz- und Diabeteszentrum NRW
Classification: Pathogenic for Long QT syndrome 2. Last evaluated: 2023-07-05. Review status: criteria provided, single submitter. Criteria: ACMG Guidelines, 2015. Collection method: clinical testing. Allele origin: unknown. Affected: yes. Observed: 1 variant allele.

Literature cited by the submitters: PubMed 10973849 (cited by Labcorp Genetics (formerly Invitae), Labcorp); PubMed 19862833 (cited by Labcorp Genetics (formerly Invitae), Labcorp); PubMed 11468227 (cited by 3 submitters); PubMed 23158531 (cited by Labcorp Genetics (formerly Invitae), Labcorp and All of Us Research Program, National Institutes of Health); PubMed 24606995 (cited by Labcorp Genetics (formerly Invitae), Labcorp and Ambry Genetics); PubMed 15840476 (cited by Ambry Genetics and All of Us Research Program, National Institutes of Health); PubMed 18808722 (cited by Ambry Genetics and All of Us Research Program, National Institutes of Health); PubMed 19038855 (cited by All of Us Research Program, National Institutes of Health); PubMed 29020304 (cited by All of Us Research Program, National Institutes of Health); PubMed 36102233 (cited by All of Us Research Program, National Institutes of Health).

NM_000238.4(KCNH2):c.1096C>T (p.Arg366Ter)

Gene: KCNH2 (potassium voltage-gated channel subfamily H member 2; minus strand). Cytogenetic location: 7q36.1.
Variant type: single nucleotide variant.
Coding change: c.1096C>T on transcript NM_000238.4 (MANE Select); coding-DNA position 1096, C replaced by T.
Protein change: p.Arg366Ter; replaces arginine 366 with a stop codon.
Molecular consequence: nonsense.
Genome position (GRCh38, 1-based): chr7:150,957,323, G>A on the plus strand (C>T on the coding strand, the complement: KCNH2 is on the minus strand). VCF-style: chr7-150957323-G-A. GRCh37 (hg19) VCF-style: chr7-150654411-G-A.
Other names: p.R366*:CGA>TGA; c.808C>T, p.Arg270Ter (NM_001406753.1, NM_001406756.1); c.919C>T, p.Arg307Ter (NM_001406755.1); c.796C>T, p.Arg266Ter (NM_001406757.1); c.1096C>T, p.Arg366Ter (NM_172056.3); short protein forms R366*, R266*, R307*, R270*.
Identifiers: ClinVar variation 200321 (VCV000200321.15), dbSNP rs794728364, ClinGen allele CA004210.